The following is an entry in ClinVar:

ClinVar aggregate classification (germline): Uncertain significance (1 of 4 stars; one submission).

Conditions:
Myofibrillar myopathy 5. Also called: FILAMINOPATHY, AUTOSOMAL DOMINANT; Filaminopathy (type). Identifiers: Orphanet 171445, MedGen C1836050, MONDO:0012289, OMIM 609524.
Distal myopathy with posterior leg and anterior hand involvement. Also called: WILLIAMS DISTAL MYOPATHY. Identifiers: Orphanet 63273, MedGen C3279722, MONDO:0013550, OMIM 614065.
Hypertrophic cardiomyopathy 26. Also called: Cardiomyopathy, familial hypertrophic, 26. Identifiers: Orphanet 75249, MedGen C4310749, MONDO:0014883, OMIM 617047.

Submission:

Labcorp Genetics (formerly Invitae), Labcorp
Classification: Uncertain significance for Distal myopathy with posterior leg and anterior hand involvement; Myofibrillar myopathy 5; Hypertrophic cardiomyopathy 26. Last evaluated: 2022-08-09. Review status: criteria provided, single submitter. Criteria: Invitae Variant Classification Sherloc (09022015). Collection method: clinical testing. Allele origin: germline.
Comment: In summary, the available evidence is currently insufficient to determine the role of this variant in disease. Therefore, it has been classified as a Variant of Uncertain Significance. Algorithms developed to predict the effect of missense changes on protein structure and function are either unavailable or do not agree on the potential impact of this missense change (SIFT: "Deleterious"; PolyPhen-2: "Probably Damaging"; Align-GVGD: "Class C0"). ClinVar contains an entry for this variant (Variation ID: 1428438). This variant has not been reported in the literature in individuals affected with FLNC-related conditions. This variant is not present in population databases (gnomAD no frequency). This sequence change replaces glycine, which is neutral and non-polar, with arginine, which is basic and polar, at codon 795 of the FLNC protein (p.Gly795Arg).

NM_001458.5(FLNC):c.2383G>A (p.Gly795Arg)

Gene: FLNC (filamin C; plus strand). Cytogenetic location: 7q32.1.
Variant type: single nucleotide variant.
Coding change: c.2383G>A on transcript NM_001458.5 (MANE Select); coding-DNA position 2383, G replaced by A.
Protein change: p.Gly795Arg; replaces glycine 795 with arginine.
Molecular consequence: missense variant.
Genome position (GRCh38, 1-based): chr7:128,842,692, G>A. VCF-style: chr7-128842692-G-A. GRCh37 (hg19) VCF-style: chr7-128482746-G-A.
Other names: c.2383G>A, p.Gly795Arg (NM_001127487.2); short protein forms G795R.
Identifiers: ClinVar variation 1428438 (VCV001428438.8), dbSNP rs1196887010, ClinGen allele CA369191428.